The following is an entry in ClinVar:

NM_014244.5(ADAMTS2):c.1628A>G (p.Lys543Arg)

Gene: ADAMTS2 (ADAM metallopeptidase with thrombospondin type 1 motif 2; minus strand). Cytogenetic location: 5q35.3.
Variant type: single nucleotide variant.
Coding change: c.1628A>G on transcript NM_014244.5 (MANE Select); coding-DNA position 1628, A replaced by G.
Protein change: p.Lys543Arg; replaces lysine 543 with arginine.
Molecular consequence: missense variant.
Genome position (GRCh38, 1-based): chr5:179,152,143, T>C on the plus strand (A>G on the coding strand, the complement: ADAMTS2 is on the minus strand). VCF-style: chr5-179152143-T-C. GRCh37 (hg19) VCF-style: chr5-178579144-T-C.
Other names: c.1628A>G, p.Lys543Arg (NM_021599.4); short protein forms K543R.
Identifiers: ClinVar variation 4723235 (VCV004723235.1).

ClinVar aggregate classification (germline): Uncertain significance (1 of 4 stars; one submission).

Conditions:
Ehlers-Danlos syndrome, dermatosparaxis type. Also called: Ehlers-Danlos syndrome, type VII, autosomal recessive; EDS VIIC; Dermatosparaxis. Identifiers: Orphanet 1901, MedGen C2700425, MONDO:0009161, OMIM 225410.

Submission:

Labcorp Genetics (formerly Invitae), Labcorp
Classification: Uncertain significance for Ehlers-Danlos syndrome, dermatosparaxis type. Last evaluated: 2025-07-14. Review status: criteria provided, single submitter. Criteria: Invitae Variant Classification Sherloc (09022015). Collection method: clinical testing. Allele origin: germline.
Comment: This sequence change replaces lysine, which is basic and polar, with arginine, which is basic and polar, at codon 543 of the ADAMTS2 protein (p.Lys543Arg). This variant is not present in population databases (gnomAD no frequency). This variant has not been reported in the literature in individuals affected with ADAMTS2-related conditions. An algorithm developed to predict the effect of missense changes on protein structure and function (PolyPhen-2) suggests that this variant is likely to be tolerated. Algorithms developed to predict the effect of sequence changes on RNA splicing suggest that this variant may disrupt the consensus splice site. In summary, the available evidence is currently insufficient to determine the role of this variant in disease. Therefore, it has been classified as a Variant of Uncertain Significance.